The following is an entry in ClinVar:

NM_058216.3(RAD51C):c.162_163insTA (p.Ala55Ter)

Gene: RAD51C (RAD51 paralog C; plus strand). Cytogenetic location: 17q22.
Variant type: Insertion.
Coding change: c.162_163insTA on transcript NM_058216.3 (MANE Select); coding-DNA positions 162 to 163, TA inserted.
Protein change: p.Ala55Ter; replaces alanine 55 with a stop codon.
Molecular consequence: nonsense. On other transcripts: non-coding transcript variant (2).
Genome position: GRCh38 VCF-style: chr17-58694946-A-AAT. GRCh37 (hg19) VCF-style: chr17-56772307-A-AAT.
Other names: c.162_163insTA, p.Ala55Ter (NM_002876.4); short protein forms A55*.
Identifiers: ClinVar variation 4690231 (VCV004690231.1).

ClinVar aggregate classification (germline): Likely pathogenic (1 of 4 stars; one submission).

Conditions:
Breast-ovarian cancer, familial, susceptibility to, 3. Also called: RAD51C-Related Breast/Ovarian Cancer. Identifiers: Orphanet 145, MedGen C3150659, MONDO:0013253, OMIM 613399.

Submission:

EVOGEN
Classification: Likely pathogenic for Breast-ovarian cancer, familial, susceptibility to, 3. Last evaluated: 2024-09-04. Review status: criteria provided, single submitter. Criteria: ACMG Guidelines, 2015. Collection method: clinical testing. Allele origin: germline. Affected: yes.
Comment: PVS1: Null variant (nonsense) in gene RAD51C, predicted to cause NMD. Loss-of-function is a known mechanism of disease (gene has 281 reported pathogenic LOF variants). The exon affects 1 functional domain: UniProt protein RA51C_HUMAN region of interest 'Required for Holliday junction resolution activity'. The exon contains 70 pathogenic variants. The truncated region contains 284 pathogenic variants. PM2: Variant not found in gnomAD genomes, good gnomAD genomes coverage = 31.0. Variant not found in gnomAD exomes, good gnomAD exomes coverage = 30.1. Moscow City Health Department financial support